The following is an entry in ClinVar:

ClinVar aggregate classification (germline): Uncertain significance. Review status: criteria provided, multiple submitters, no conflicts (2 of 4 stars). 3 submissions from 3 submitters: Uncertain significance (2). 1 of the submissions does not count toward it. Last evaluated 2024-10-30.

Conditions:
PKD1-related disorder. Also called: PKD1-related condition.
Polycystic kidney disease, adult type (PKD1). Also called: Polycystic Kidney, Autosomal Dominant; POLYCYSTIC KIDNEY DISEASE 1 WITH OR WITHOUT POLYCYSTIC LIVER DISEASE; POLYCYSTIC KIDNEY DISEASE, ADULT, TYPE I; Polycystic Kidney Disease 1, Autosomal Dominant; Polycystic kidney disease 1; Polycystic kidney disease 1, severe. Identifiers: MedGen C3149841, MONDO:0008263, OMIM 173900.

gnomAD v4.1: 52 of 1,587,534 alleles (0.0033%); highest among the groups gnomAD compares: African/African-American, 0.025%; 1 homozygote.

Submissions (3):

Department of Pathology and Laboratory Medicine, Sinai Health System
Classification: Uncertain significance for Polycystic kidney disease, adult type. Last evaluated: 2024-10-30. Review status: criteria provided, single submitter. Criteria: ACMG Guidelines, 2015. Collection method: clinical testing. Allele origin: germline.

Fulgent Genetics
Classification: Uncertain significance for Polycystic kidney disease, adult type. Last evaluated: 2024-03-14. Review status: criteria provided, single submitter. Criteria: ACMG Guidelines, 2015. Collection method: clinical testing. Allele origin: germline.

PreventionGenetics, part of Exact Sciences
Classification: Uncertain significance for PKD1-related condition. Last evaluated: 2024-04-25. Review status: no assertion criteria provided. Collection method: clinical testing. Allele origin: germline. Not counted in ClinVar's aggregate classification.
Comment: The PKD1 c.10642C>T variant is predicted to result in the amino acid substitution p.Arg3548Cys. This variant was reported in an individual with autosomal dominant polycystic kidney disease (ADPKD) (Carrera et al. 2016. PubMed ID: 27499327, Suppl. Table S4). This variant is reported in 0.038% of alleles in individuals of African descent in gnomAD. At this time, the clinical significance of this variant is uncertain due to the absence of conclusive functional and genetic evidence.

NM_001009944.3(PKD1):c.10642C>T (p.Arg3548Cys)

Genes: PKD1 (polycystin 1, transient receptor potential channel interacting; minus strand), PKD1-AS1 (PKD1 antisense RNA 1; plus strand). Cytogenetic location: 16p13.3.
Variant type: single nucleotide variant.
Coding change: c.10642C>T on transcript NM_001009944.3 (MANE Select); coding-DNA position 10642, C replaced by T.
Protein change: p.Arg3548Cys; replaces arginine 3548 with cysteine.
Molecular consequence: missense variant.
Genome position (GRCh38, 1-based): chr16:2,093,990, G>A on the plus strand (C>T on the coding strand, the complement: PKD1 is on the minus strand). VCF-style: chr16-2093990-G-A. GRCh37 (hg19) VCF-style: chr16-2143991-G-A.
Other names: c.10639C>T, p.Arg3547Cys (NM_000296.4); short protein forms R3547C, R3548C.
Identifiers: ClinVar variation 3354900 (VCV003354900.3).
Genomic context (GRCh38, chr16:2,093,990, plus strand): 5'-CAGCCACCAGGAGCAGGCTGAGCCCGTGGGCCAGGGAGGCACACCAGGCCGGCAGCAGGC[G>A]CTTCCGCAGACCCTCCACCAGTCCTGGGGAAGCAGAGACAGACCTGTGAGAGGCAGCTCA-3'
Protein context (NP_001009944.3, residues 3538-3558): RTGLVEGLRK[Arg3548Cys]LLPAWCASLA